The following is an entry in ClinVar:

ClinVar aggregate classification (germline): Uncertain significance (1 of 4 stars; one submission).

Conditions:
Malignant hyperthermia, susceptibility to, 1 (MHS1). Also called: RYR1-Related Malignant Hyperthermia Susceptibility; Malignant hyperthermia suceptibility 1; Anesthesia related hyperthermia; Malignant hyperpyrexia; Fulminating hyperpyrexia; Pharmacogenic myopathy. Identifiers: Orphanet 423, MedGen C2930980, MONDO:0007783, OMIM 145600.

Submission:

Color Diagnostics, LLC DBA Color Health
Classification: Uncertain significance for Malignant hyperthermia, susceptibility to, 1. Last evaluated: 2025-08-17. Review status: criteria provided, single submitter. Criteria: ACMG Guidelines, 2015. Collection method: clinical testing. Allele origin: germline.
Comment: This missense variant replaces glutamic acid with glycine at codon 7 of the RYR1 protein. Computational prediction is inconclusive regarding the impact of this variant on protein structure and function. To our knowledge, functional studies have not been reported for this variant. This variant has not been reported in individuals affected with RYR1-related disorders in the literature. This variant has not been identified in the general population by the Genome Aggregation Database (gnomAD). The available evidence is insufficient to determine the role of this variant in disease conclusively. Therefore, this variant is classified as a Variant of Uncertain Significance.

NM_000540.3(RYR1):c.20A>G (p.Glu7Gly)

Gene: RYR1 (ryanodine receptor 1; plus strand). Cytogenetic location: 19q13.2.
Variant type: single nucleotide variant.
Coding change: c.20A>G on transcript NM_000540.3 (MANE Select); coding-DNA position 20, A replaced by G.
Protein change: p.Glu7Gly; replaces glutamic acid 7 with glycine.
Molecular consequence: missense variant.
Genome position (GRCh38, 1-based): chr19:38,433,849, A>G. VCF-style: chr19-38433849-A-G. GRCh37 (hg19) VCF-style: chr19-38924489-A-G.
Other names: c.20A>G, p.Glu7Gly (NM_001042723.2); short protein forms E7G.
Identifiers: ClinVar variation 4758045 (VCV004758045.1).
Genomic context (GRCh38, chr19:38,433,849, plus strand): 5'-TGTTCCCCGACCTCAGACCCTGGGCTTCCGACCTCGACATCATGGGTGACGCAGAAGGCG[A>G]AGACGAGGTCCAGTTCCTGCGGACGGTGCGTATCTCTGGGTTAGGGGCCTGTGGGGCTAT-3'
Protein context (NP_000531.2, residues 1-17): MGDAEG[Glu7Gly]DEVQFLRTDD